The following is an entry in ClinVar:

ClinVar aggregate classification (germline): Benign (1 of 4 stars; one submission).

Allele frequency attached by ClinVar (database versions not stated): 1000 Genomes Project 0.64716; gnomAD 0.64811; 1000 Genomes Project 30x 0.65412; TOPMed 0.65883.
gnomAD v4.1: 99,123 of 152,012 alleles (65%); highest among the groups gnomAD compares: African/African-American, 85%; 33,600 homozygotes.

Submission:

GeneDx
Classification: Benign. Last evaluated: 2018-06-16. Review status: criteria provided, single submitter. Criteria: GeneDx Variant Classification (06012015). Collection method: clinical testing. Allele origin: germline. Affected: yes.
Comment: This variant is considered likely benign or benign based on one or more of the following criteria: it is a conservative change, it occurs at a poorly conserved position in the protein, it is predicted to be benign by multiple in silico algorithms, and/or has population frequency not consistent with disease.

NM_001244710.2(GFPT1):c.605+206C>T

Gene: GFPT1 (glutamine--fructose-6-phosphate transaminase 1; minus strand). Cytogenetic location: 2p13.3.
Variant type: single nucleotide variant.
Coding change: c.605+206C>T on transcript NM_001244710.2 (MANE Select); 206 bases into the intron after coding-DNA position 605, C replaced by T.
Molecular consequence: intron variant.
Genome position (GRCh38, 1-based): chr2:69,356,290, G>A on the plus strand (C>T on the coding strand, the complement: GFPT1 is on the minus strand). VCF-style: chr2-69356290-G-A. GRCh37 (hg19) VCF-style: chr2-69583422-G-A.
Other names: c.605+206C>T (NM_002056.4).
Identifiers: ClinVar variation 681306 (VCV000681306.1), dbSNP rs7579871, ClinGen allele CA11117553.